The following is an entry in ClinVar:

ClinVar aggregate classification (germline): Uncertain significance (1 of 4 stars; one submission).

Conditions:
Inborn genetic diseases. Identifiers: MedGen C0950123, MeSH D030342.

Submission:

Ambry Genetics
Classification: Uncertain significance for Inborn genetic diseases. Last evaluated: 2022-04-29. Review status: criteria provided, single submitter. Criteria: Ambry Variant Classification Scheme 2023. Collection method: clinical testing. Allele origin: germline.
Comment: The p.G94V variant (also known as c.281G>T), located in coding exon 3 of the LRRK2 gene, results from a G to T substitution at nucleotide position 281. The glycine at codon 94 is replaced by valine, an amino acid with dissimilar properties. This amino acid position is conserved. In addition, this alteration is predicted to be tolerated by in silico analysis. Since supporting evidence is limited at this time, the clinical significance of this alteration remains unclear.

NM_198578.4(LRRK2):c.281G>T (p.Gly94Val)

Gene: LRRK2 (leucine rich repeat kinase 2; plus strand). Cytogenetic location: 12q12.
Variant type: single nucleotide variant.
Coding change: c.281G>T on transcript NM_198578.4 (MANE Select); coding-DNA position 281, G replaced by T.
Protein change: p.Gly94Val; replaces glycine 94 with valine.
Molecular consequence: missense variant.
Genome position (GRCh38, 1-based): chr12:40,232,317, G>T. VCF-style: chr12-40232317-G-T. GRCh37 (hg19) VCF-style: chr12-40626119-G-T.
Other names: short protein forms G94V.
Identifiers: ClinVar variation 1796433 (VCV001796433.2), dbSNP rs2499381397, ClinGen allele CA384401448.
Genomic context (GRCh38, chr12:40,232,317, plus strand): 5'-GTCTTTCTTGTTTTCAGGTGGGTTGGTCACTTCTGTGCAAATTAATAGAAGTCTGTCCAG[G>T]TACAATGCAAAGCTTAATGGGACCCCAGGATGTTGGAAATGATTGGGAAGTCCTTGGTGT-3'
Protein context (NP_940980.4, residues 84-104): LLCKLIEVCP[Gly94Val]TMQSLMGPQD